The following is an entry in ClinVar:

NM_001845.6(COL4A1):c.1084+5C>G

Gene: COL4A1 (collagen type IV alpha 1 chain; minus strand). Cytogenetic location: 13q34.
Variant type: single nucleotide variant.
Coding change: c.1084+5C>G on transcript NM_001845.6 (MANE Select); 5 bases into the intron after coding-DNA position 1084, C replaced by G.
Molecular consequence: intron variant.
Genome position (GRCh38, 1-based): chr13:110,201,433, G>C on the plus strand (C>G on the coding strand, the complement: COL4A1 is on the minus strand). VCF-style: chr13-110201433-G-C. GRCh37 (hg19) VCF-style: chr13-110853780-G-C.
Other names: c.1084+5C>G (NM_001303110.2).
Identifiers: ClinVar variation 311064 (VCV000311064.26), dbSNP rs74508743, ClinGen allele CA7048103.

ClinVar aggregate classification (germline): Benign. Review status: criteria provided, multiple submitters, no conflicts (2 of 4 stars). 9 submissions from 8 submitters: Benign (7). 2 of the submissions do not count toward it. Last evaluated 2026-02-03.

Conditions:
Brain small vessel disease 1 with or without ocular anomalies (BSVD1). Also called: BRAIN SMALL VESSEL DISEASE WITH HEMORRHAGE; GOULD SYNDROME 1; PORENCEPHALY, TYPE 1, AUTOSOMAL DOMINANT; Brain small vessel disease with or without ocular anomalies. Identifiers: Orphanet 2940, Orphanet 36383, Orphanet 99810, MedGen C4755307, MONDO:0008289, OMIM 175780.
Autosomal dominant familial hematuria-retinal arteriolar tortuosity-contractures syndrome. Also called: Angiopathy, hereditary, with nephropathy, aneurysms, and muscle cramps; Hereditary Angiopathy with Nephropathy, Aneurysms, and Muscle Cramps (HANAC) Syndrome. Identifiers: Orphanet 73229, MedGen C2673195, MONDO:0012726, OMIM 611773.

Allele frequency attached by ClinVar (database versions not stated): 1000 Genomes Project 30x 0.02561; ExAC 0.00834; gnomAD 0.01977 and 0.02118; ESP Exome Variant Server 0.02199; 1000 Genomes Project 0.02416; TOPMed 0.02428.
gnomAD v4.1: 8,170 of 1,612,738 alleles (0.51%); highest among the groups gnomAD compares: African/African-American, 6.8%; 182 homozygotes.

Submissions (9):

Labcorp Genetics (formerly Invitae), Labcorp
Classification: Benign. Last evaluated: 2026-02-03. Review status: criteria provided, single submitter. Criteria: Invitae Variant Classification Sherloc (09022015). Collection method: clinical testing. Allele origin: germline.

Athena Diagnostics
Classification: Benign. Last evaluated: 2025-02-24. Review status: criteria provided, single submitter. Criteria: Athena Diagnostics Criteria. Collection method: clinical testing. Allele origin: unknown.
Comment: The frequency of this variant in the general population is higher than would generally be expected for pathogenic variants in this gene.

Mayo Clinic Laboratories, Mayo Clinic
Classification: Benign. Last evaluated: 2022-11-26. Review status: criteria provided, single submitter. Criteria: ACMG Guidelines, 2015. Collection method: clinical testing. Allele origin: germline. Observed: 27 variant alleles.

GeneDx
Classification: Benign. Last evaluated: 2018-07-05. Review status: criteria provided, single submitter. Criteria: GeneDx Variant Classification Process June 2021. Collection method: clinical testing. Allele origin: germline. Affected: yes.

Illumina Laboratory Services, Illumina
Classification: Benign for Brain small vessel disease 1 with or without ocular anomalies. Last evaluated: 2018-01-12. Review status: criteria provided, single submitter. Criteria: ICSL Variant Classification Criteria 13 December 2019. Collection method: clinical testing. Allele origin: germline.
Comment: This variant was observed in the ICSL laboratory as part of a predisposition screen in an ostensibly healthy population. It had not been previously curated by ICSL or reported in the Human Gene Mutation Database (HGMD: prior to June 1st, 2018), and was therefore a candidate for classification through an automated scoring system. Utilizing variant allele frequency, disease prevalence and penetrance estimates, and inheritance mode, an automated score was calculated to assess if this variant is too frequent to cause the disease. Based on the score and internal cut-off values, a variant classified as benign is not then subjected to further curation. The score for this variant resulted in a classification of benign for this disease.

Illumina Laboratory Services, Illumina
Classification: Benign for Autosomal dominant familial hematuria-retinal arteriolar tortuosity-contractures syndrome. Last evaluated: 2018-01-12. Review status: criteria provided, single submitter. Criteria: ICSL Variant Classification Criteria 13 December 2019. Collection method: clinical testing. Allele origin: germline.
Comment: the same text as in the submission from Illumina Laboratory Services, Illumina above.

Breakthrough Genomics
Classification: Benign. Review status: criteria provided, single submitter. Criteria: ACMG Guidelines, 2015. Collection method: not provided. Allele origin: germline. Inheritance: Autosomal dominant inheritance. Affected: yes.

Clinical Genetics DNA and cytogenetics Diagnostics Lab, Erasmus MC, Erasmus Medical Center
Classification: Likely benign. Review status: no assertion criteria provided. Collection method: clinical testing. Allele origin: germline. Affected: yes. Study: VKGL Data-share Consensus. Not counted in ClinVar's aggregate classification.

Laboratory of Diagnostic Genome Analysis, Leiden University Medical Center (LUMC)
Classification: Likely benign. Review status: no assertion criteria provided. Collection method: clinical testing. Allele origin: germline. Affected: yes. Study: VKGL Data-share Consensus. Not counted in ClinVar's aggregate classification.